The following is an entry in ClinVar:

NM_000435.3(NOTCH3):c.3122G>A (p.Arg1041Lys)

Gene: NOTCH3 (notch receptor 3; minus strand). Cytogenetic location: 19p13.12.
Variant type: single nucleotide variant.
Coding change: c.3122G>A on transcript NM_000435.3 (MANE Select); coding-DNA position 3122, G replaced by A.
Protein change: p.Arg1041Lys; replaces arginine 1041 with lysine.
Molecular consequence: missense variant.
Genome position (GRCh38, 1-based): chr19:15,180,701, C>T on the plus strand (G>A on the coding strand, the complement: NOTCH3 is on the minus strand). VCF-style: chr19-15180701-C-T. GRCh37 (hg19) VCF-style: chr19-15291512-C-T.
Other names: short protein forms R1041K.
Identifiers: ClinVar variation 4759712 (VCV004759712.1).

ClinVar aggregate classification (germline): Uncertain significance (1 of 4 stars; one submission).

gnomAD v4.1: 1 of 1,560,228 alleles (0.000064%); highest among the groups gnomAD compares: Admixed American, 0.0019%; no homozygotes.

Submission:

Labcorp Genetics (formerly Invitae), Labcorp
Classification: Uncertain significance. Last evaluated: 2025-12-01. Review status: criteria provided, single submitter. Criteria: Invitae Variant Classification Sherloc (09022015). Collection method: clinical testing. Allele origin: germline.
Comment: This sequence change replaces arginine, which is basic and polar, with lysine, which is basic and polar, at codon 1041 of the NOTCH3 protein (p.Arg1041Lys). This variant is not present in population databases (gnomAD no frequency). This variant has not been reported in the literature in individuals affected with NOTCH3-related conditions. Invitae Evidence Modeling of protein sequence and biophysical properties (such as structural, functional, and spatial information, amino acid conservation, physicochemical variation, residue mobility, and thermodynamic stability) indicates that this missense variant is not expected to disrupt NOTCH3 protein function with a negative predictive value of 95%. In summary, the available evidence is currently insufficient to determine the role of this variant in disease. Therefore, it has been classified as a Variant of Uncertain Significance.